The following is an entry in ClinVar:

NM_000219.6(KCNE1):c.107G>C (p.Arg36Pro)

Gene: KCNE1 (potassium voltage-gated channel subfamily E regulatory subunit 1; minus strand). Cytogenetic location: 21q22.12.
Variant type: single nucleotide variant.
Coding change: c.107G>C on transcript NM_000219.6 (MANE Select); coding-DNA position 107, G replaced by C.
Protein change: p.Arg36Pro; replaces arginine 36 with proline.
Molecular consequence: missense variant.
Genome position (GRCh38, 1-based): chr21:34,449,528, C>G on the plus strand (G>C on the coding strand, the complement: KCNE1 is on the minus strand). VCF-style: chr21-34449528-C-G. GRCh37 (hg19) VCF-style: chr21-35821826-C-G.
Other names: c.107G>C, p.Arg36Pro (NM_001127668.4, NM_001127669.4, NM_001127670.4 and 4 more transcripts); short protein forms R36P.
Identifiers: ClinVar variation 3374066 (VCV003374066.2).
Genomic context (GRCh38, chr21:34,449,528, plus strand): 5'-AAGCCGAAGAATCCCAGTACCATGAGGACGTAGAGGGCCTCCAGCTTGCCGTCACTGCTG[C>G]GGGGGGACCTGCGGGCCAGGCCCGACATGTTGCCACCCTGCTGAACTGTCTCCTGCCACA-3'
Protein context (NP_000210.2, residues 26-46): NMSGLARRSP[Arg36Pro]SSDGKLEALY

Conditions:
Long QT syndrome 5 (LQT5). Identifiers: Orphanet 101016, Orphanet 768, MedGen C1867904, MONDO:0013372, OMIM 613695.

Submission:

Roden Lab, Vanderbilt University Medical Center
No classification provided (evidence only). Condition: Long QT syndrome 5. Review status: no classification provided. Collection method: in vitro. Allele origin: not applicable. Functional consequence: Effect on ion channel function.
ClinVar note: "not provided" was previously submitted as the classification for the variant. However, the classification appeared to be based only on an observation of functional data so it was converted to no classification on 2025-07-30.